The following is an entry in ClinVar:

NM_133478.3(SLC4A5):c.930C>A (p.Gly310=)

Gene: SLC4A5 (solute carrier family 4 member 5; minus strand). Cytogenetic location: 2p13.1.
Variant type: single nucleotide variant.
Coding change: c.930C>A on transcript NM_133478.3 (MANE Select); coding-DNA position 930, C replaced by A.
Protein change: p.Gly310=; no amino-acid change (glycine 310 retained).
Molecular consequence: synonymous variant.
Genome position (GRCh38, 1-based): chr2:74,255,870, G>T on the plus strand (C>A on the coding strand, the complement: SLC4A5 is on the minus strand). VCF-style: chr2-74255870-G-T. GRCh37 (hg19) VCF-style: chr2-74482997-G-T.
Other names: c.582C>A, p.Gly194= (NM_001386136.1); c.930C>A, p.Gly310= (NM_021196.3).
Identifiers: ClinVar variation 3057252 (VCV003057252.2), dbSNP rs371796105, ClinGen allele CA1720964.

ClinVar aggregate classification (germline): Likely benign (0 of 4 stars; one submission).

Conditions:
SLC4A5-related disorder. Also called: SLC4A5-related condition.

Allele frequency attached by ClinVar (database versions not stated): ESP Exome Variant Server 0.00008; 1000 Genomes Project 30x 0.00016.
gnomAD v4.1: 187 of 1,614,146 alleles (0.012%); highest among the groups gnomAD compares: Non-Finnish European, 0.014%; no homozygotes.

Submission:

PreventionGenetics, part of Exact Sciences
Classification: Likely benign for SLC4A5-related condition. Last evaluated: 2019-02-22. Review status: no assertion criteria provided. Collection method: clinical testing. Allele origin: germline.
Comment: This variant is classified as likely benign based on ACMG/AMP sequence variant interpretation guidelines (Richards et al. 2015 PMID: 25741868, with internal and published modifications).